The following is an entry in ClinVar:

ClinVar aggregate classification (germline): Conflicting classifications of pathogenicity. Review status: criteria provided, conflicting classifications (1 of 4 stars). 6 submissions from 6 submitters: Uncertain significance (5); Likely benign (1). Last evaluated 2025-05-15.

Conditions:
Hereditary breast ovarian cancer syndrome. Also called: Hereditary breast and ovarian cancer syndrome (HBOC); Breast and ovarian cancer; Hereditary breast and ovarian cancer; BRCA1- and BRCA2-Associated Hereditary Breast and Ovarian Cancer; Hereditary breast and/or ovarian cancer syndrome; Hereditary breast and ovarian cancer syndrome. Identifiers: Orphanet 145, MedGen C0677776, MeSH D061325, MONDO:0003582. Disease mechanism: loss of function.
Hereditary cancer-predisposing syndrome. Also called: Tumor predisposition; Hereditary neoplastic syndrome; Neoplastic Syndromes, Hereditary; Hereditary Cancer Syndrome. Identifiers: Orphanet 140162, MedGen C0027672, MeSH D009386, MONDO:0015356.
Breast-ovarian cancer, familial, susceptibility to, 2 (BROVCA2). Also called: BRCA2 Hereditary Breast and Ovarian Cancer. Identifiers: Orphanet 145, MedGen C2675520, MONDO:0012933, OMIM 612555. Disease mechanism: loss of function.

Allele frequency attached by ClinVar (database versions not stated): gnomAD exomes below 0.00001; gnomAD 0.00001.
gnomAD v4.1: 2 of 1,613,596 alleles (0.00012%); highest among the groups gnomAD compares: African/African-American, 0.0027%; no homozygotes.

Submissions (6):

Ambry Genetics
Classification: Likely benign for Hereditary cancer-predisposing syndrome. Last evaluated: 2025-05-15. Review status: criteria provided, single submitter. Criteria: Ambry Variant Classification Scheme 2023. Collection method: clinical testing. Allele origin: germline.

Quest Diagnostics Nichols Institute San Juan Capistrano
Classification: Uncertain significance. Last evaluated: 2024-07-12. Review status: criteria provided, single submitter. Criteria: Quest Diagnostics criteria. Collection method: clinical testing. Allele origin: unknown.
Comment: One functional study reported this variant to have normal DNA repair activity (PMID: 38417439 (2024)), however further research is needed. The frequency of this variant in the general population, 0.000004 (1/249342 chromosomes (Genome Aggregation Database)), is uninformative in the assessment of its pathogenicity. Analysis of this variant using bioinformatics tools for the prediction of the effect of amino acid changes on protein structure and function yielded conflicting predictions that this variant is benign or damaging. Based on the available information, we are unable to determine the clinical significance of this variant.

Labcorp Genetics (formerly Invitae), Labcorp
Classification: Uncertain significance for Hereditary breast ovarian cancer syndrome. Last evaluated: 2024-07-02. Review status: criteria provided, single submitter. Criteria: Invitae Variant Classification Sherloc (09022015). Collection method: clinical testing. Allele origin: germline.
Comment: This sequence change replaces glutamine, which is neutral and polar, with histidine, which is basic and polar, at codon 3034 of the BRCA2 protein (p.Gln3034His). The frequency data for this variant in the population databases is considered unreliable, as metrics indicate poor data quality at this position in the gnomAD database. This missense change has been observed in individual(s) with prostate cancer (PMID: 29625052, 36451132). ClinVar contains an entry for this variant (Variation ID: 495516). Advanced modeling of protein sequence and biophysical properties (such as structural, functional, and spatial information, amino acid conservation, physicochemical variation, residue mobility, and thermodynamic stability) performed at Invitae indicates that this missense variant is not expected to disrupt BRCA2 protein function with a negative predictive value of 95%. In summary, the available evidence is currently insufficient to determine the role of this variant in disease. Therefore, it has been classified as a Variant of Uncertain Significance.

All of Us Research Program, National Institutes of Health
Classification: Uncertain significance for Breast-ovarian cancer, familial, susceptibility to, 2. Last evaluated: 2023-07-10. Review status: criteria provided, single submitter. Criteria: ACMG Guidelines, 2015. Collection method: clinical testing. Allele origin: germline. Inheritance: Autosomal dominant inheritance. Observed: 1 variant allele, 1 heterozygote.
Comment: This missense variant replaces glutamine with histidine at codon 3034 of the BRCA2 protein. Computational prediction suggests that this variant may not impact protein structure and function (internally defined REVEL score threshold <= 0.5, PMID: 27666373). To our knowledge, functional studies have not been reported for this variant. This variant has not been reported in individuals affected with BRCA2-related disorders in the literature. This variant has been identified in 1/249342 chromosomes in the general population by the Genome Aggregation Database (gnomAD). The available evidence is insufficient to determine the role of this variant in disease conclusively. Therefore, this variant is classified as a Variant of Uncertain Significance.

This study involves interpretation of variants in research participants for the purpose of population health screening. Participant phenotype was not available at the time of variant classification. Additional details can be found in publication PMID: 35346344, PMCID: PMC8962531

Color Diagnostics, LLC DBA Color Health
Classification: Uncertain significance for Hereditary cancer-predisposing syndrome. Last evaluated: 2023-06-23. Review status: criteria provided, single submitter. Criteria: ACMG Guidelines, 2015. Collection method: clinical testing. Allele origin: germline.
Comment: This missense variant replaces glutamine with histidine at codon 3034 of the BRCA2 protein. Computational prediction suggests that this variant may not impact protein structure and function (internally defined REVEL score threshold <= 0.5, PMID: 27666373). To our knowledge, functional studies have not been reported for this variant. This variant has not been reported in individuals affected with BRCA2-related disorders in the literature. This variant has been identified in 1/249342 chromosomes in the general population by the Genome Aggregation Database (gnomAD). The available evidence is insufficient to determine the role of this variant in disease conclusively. Therefore, this variant is classified as a Variant of Uncertain Significance.

Women's Health and Genetics/Laboratory Corporation of America, LabCorp
Classification: Uncertain significance. Last evaluated: 2017-06-16. Review status: criteria provided, single submitter. Criteria: LabCorp Variant Classification Summary - May 2015. Collection method: clinical testing. Allele origin: germline.
Comment: Variant summary: The BRCA2 c.9102G>C (p.Gln3034His) variant involves the alteration of a non-conserved nucleotide. 2/3 in silico tools predict a damaging outcome for this variant (SNPsandGO and MutationTaster not captured). This variant is absent in 116668 control chromosomes. One reputable database classified this variant as VUS. The variant of interest has not, to our knowledge, been reported in affected individuals via publications and/or reputable databases/clinical diagnostic laboratories; nor evaluated for functional impact by in vivo/vitro studies. Because of the absence of clinical information and the lack of functional studies, the variant is classified as a variant of uncertain significance (VUS) until additional information becomes available.

Literature cited by the submitters: PubMed 38417439 (cited by Quest Diagnostics Nichols Institute San Juan Capistrano); PubMed 31853058 (cited by Quest Diagnostics Nichols Institute San Juan Capistrano); PubMed 29625052 (cited by Quest Diagnostics Nichols Institute San Juan Capistrano and Labcorp Genetics (formerly Invitae), Labcorp); PubMed 36451132 (cited by Quest Diagnostics Nichols Institute San Juan Capistrano and Labcorp Genetics (formerly Invitae), Labcorp).

NM_000059.4(BRCA2):c.9102G>C (p.Gln3034His)

Gene: BRCA2 (BRCA2 DNA repair associated; plus strand). Cytogenetic location: 13q13.1.
Variant type: single nucleotide variant.
Coding change: c.9102G>C on transcript NM_000059.4 (MANE Select); coding-DNA position 9102, G replaced by C.
Protein change: p.Gln3034His; replaces glutamine 3034 with histidine.
Molecular consequence: missense variant.
Genome position (GRCh38, 1-based): chr13:32,379,898, G>C. VCF-style: chr13-32379898-G-C. GRCh37 (hg19) VCF-style: chr13-32954035-G-C.
Other names: short protein forms Q3034H.
Identifiers: ClinVar variation 495516 (VCV000495516.20), dbSNP rs1336395181, ClinGen allele CA387757698.